The following is an entry in ClinVar:

ClinVar aggregate classification (germline): Uncertain significance. Review status: criteria provided, multiple submitters, no conflicts (2 of 4 stars). 6 submissions from 6 submitters: Uncertain significance (5). 1 of the submissions does not count toward it. Last evaluated 2026-03-10.

Conditions:
Mitochondrial complex 2 deficiency, nuclear type 3. Also called: MITOCHONDRIAL COMPLEX II DEFICIENCY, NUCLEAR TYPE 3. Identifiers: MedGen C5436934, MONDO:0030937, OMIM 619167.
SDHD-related disorder. Also called: SDHD-related condition.
Paragangliomas with sensorineural hearing loss. Identifiers: MedGen C1868633.
Pheochromocytoma. Also called: MAX-Related Hereditary Paraganglioma-Pheochromocytoma Syndrome. Identifiers: Orphanet 29072, MedGen C0031511, MONDO:0008233, OMIM 171300, HP:0002666.
Carney-Stratakis syndrome. Also called: PARAGANGLIOMA AND GASTROINTESTINAL STROMAL TUMOR. Identifiers: Orphanet 97286, MedGen C1847319, MONDO:0011740, OMIM 606864.
Cowden syndrome 3 (CWS3). Identifiers: Orphanet 201, MedGen CN166604, MONDO:0014045.
Hereditary cancer-predisposing syndrome. Also called: Neoplastic Syndromes, Hereditary; Tumor predisposition; Hereditary Cancer Syndrome; Hereditary neoplastic syndrome. Identifiers: Orphanet 140162, MedGen C0027672, MeSH D009386, MONDO:0015356.
Hereditary pheochromocytoma and paraganglioma. Also called: Hereditary Paraganglioma-Pheochromocytoma Syndromes; Hereditary paragangliomas and pheochromocytomas; Hereditary pheochromocytoma-paraganglioma. Identifiers: Orphanet 29072, MedGen C4274332, MONDO:0017366.

Allele frequency attached by ClinVar (database versions not stated): ExAC 0.00001; gnomAD exomes 0.00001 and 0.00002; TOPMed 0.00001.

Submissions (6):

PreventionGenetics, part of Exact Sciences
Classification: Uncertain significance for SDHD-related condition. Last evaluated: 2026-03-10. Review status: criteria provided, single submitter. Criteria: ACMG Guidelines, 2015. Collection method: clinical testing. Allele origin: germline.
Comment: The SDHD c.433C>A variant is predicted to result in the amino acid substitution p.His145Asn. This variant was reported in an individual with Cowden syndrome and functional studies found that this variant resulted in normal reactive oxygen species (ROS) levels, but increased MnSOD protein expression (Ni et al. 2008. PubMed ID: 18678321). This variant was also reported in a large study of individuals with a personal or family history of phaeochromocytoma/paraganglioma (Table 2, Andrews et al. 2018. PubMed ID: 29386252). This variant is reported in 0.0018% of alleles in individuals of European (Non-Finnish) descent in gnomAD an is interpreted as uncertain in ClinVar (Variation ID: 6918). At this time, the clinical significance of this variant is uncertain due to the absence of conclusive functional and genetic evidence.

Labcorp Genetics (formerly Invitae), Labcorp
Classification: Uncertain significance for Carney-Stratakis syndrome; Paragangliomas with sensorineural hearing loss; Pheochromocytoma; Cowden syndrome 3. Last evaluated: 2025-12-13. Review status: criteria provided, single submitter. Criteria: Invitae Variant Classification Sherloc (09022015). Collection method: clinical testing. Allele origin: germline.
Comment: This sequence change replaces histidine, which is basic and polar, with asparagine, which is neutral and polar, at codon 145 of the SDHD protein (p.His145Asn). This variant is present in population databases (rs121908984, gnomAD 0.002%). This missense change has been observed in individual(s) with clinical features of Cowden syndrome and a personal and/or family history of head and neck paraganglioma (HNPGL) and/or pheochromocytoma and paranganglioma (PPGL) (PMID: 18678321, 21979946, 29386252). ClinVar contains an entry for this variant (Variation ID: 6918). Invitae Evidence Modeling of protein sequence and biophysical properties (such as structural, functional, and spatial information, amino acid conservation, physicochemical variation, residue mobility, and thermodynamic stability) indicates that this missense variant is not expected to disrupt SDHD protein function with a negative predictive value of 95%. Experimental studies are conflicting or provide insufficient evidence to determine the effect of this variant on SDHD function (PMID: 18678321). In summary, the available evidence is currently insufficient to determine the role of this variant in disease. Therefore, it has been classified as a Variant of Uncertain Significance.

Color Diagnostics, LLC DBA Color Health
Classification: Uncertain significance for Hereditary pheochromocytoma and paraganglioma. Last evaluated: 2025-09-03. Review status: criteria provided, single submitter. Criteria: ACMG Guidelines, 2015. Collection method: clinical testing. Allele origin: germline.
Comment: This missense variant replaces histidine with asparagine at codon 145 of the SDHD protein. Computational prediction suggests that this variant may not impact protein structure and function. To our knowledge, established functional studies have not been reported for this variant. This variant has been reported in individuals affected with breast and renal carcinoma (PMID: 18678321) and individuals with a personal or family history of paraganglioma/pheochromocytoma (PMID: 29386252). This variant has been identified in 2/248184 chromosomes in the general population by the Genome Aggregation Database (gnomAD). The available evidence is insufficient to determine the role of this variant in disease conclusively. Therefore, this variant is classified as a Variant of Uncertain Significance.

Ambry Genetics
Classification: Uncertain significance for Hereditary cancer-predisposing syndrome. Last evaluated: 2025-02-15. Review status: criteria provided, single submitter. Criteria: Ambry Variant Classification Scheme 2023. Collection method: clinical testing. Allele origin: germline.
Comment: The p.H145N variant (also known as c.433C>A), located in coding exon 4 of the SDHD gene, results from a C to A substitution at nucleotide position 433. The histidine at codon 145 is replaced by asparagine, an amino acid with similar properties. This variant was also reported in individual(s) with a personal or family history of paraganglioma-pheochromocytoma syndrome (Andrews KA et al. J Med Genet, 2018 Jun;55:384-394). Functional studies indicated that the p.H145N variant led to mitochondrial dysfunction and the activation of the MAPK pathway which is usually seen with PTEN dysfunction (Ni Y et al. Am. J. Hum. Genet., 2008 Aug;83:261-8; Ni Y et al. Hum Mol Genet, 2012 Jan;21:300-10). This amino acid position is well conserved in available vertebrate species. In addition, the in silico prediction for this alteration is inconclusive. Based on the available evidence, the clinical significance of this variant remains unclear.

Baylor Genetics
Classification: Uncertain significance for Mitochondrial complex 2 deficiency, nuclear type 3. Last evaluated: 2023-10-12. Review status: criteria provided, single submitter. Criteria: ACMG Guidelines, 2015. Collection method: clinical testing. Allele origin: unknown.

OMIM
Classification: Uncertain significance for RECLASSIFIED - VARIANT OF UNKNOWN SIGNIFICANCE. Last evaluated: 2008-08-01. Review status: no assertion criteria provided. Collection method: literature only. Allele origin: germline. Not counted in ClinVar's aggregate classification.

Literature cited by the submitters: PubMed 18678321 (cited by 4 submitters); PubMed 21979946 (cited by Labcorp Genetics (formerly Invitae), Labcorp and Ambry Genetics); PubMed 29386252 (cited by 3 submitters); PubMed 21565294 (cited by OMIM).

NM_003002.4(SDHD):c.433C>A (p.His145Asn)

Gene: SDHD (succinate dehydrogenase complex subunit D; plus strand). Cytogenetic location: 11q23.1.
Variant type: single nucleotide variant.
Coding change: c.433C>A on transcript NM_003002.4 (MANE Select); coding-DNA position 433, C replaced by A.
Protein change: p.His145Asn; replaces histidine 145 with asparagine.
Molecular consequence: missense variant. On other transcripts: 3 prime UTR variant (2), non-coding transcript variant (1).
Genome position (GRCh38, 1-based): chr11:112,094,923, C>A. VCF-style: chr11-112094923-C-A. GRCh37 (hg19) VCF-style: chr11-111965647-C-A.
Other names: c.*30C>A (NM_001276503.2); c.316C>A, p.His106Asn (NM_001276504.2); c.*131C>A (NM_001276506.2); short protein forms H145N, H106N.
Identifiers: ClinVar variation 6918 (VCV000006918.23), dbSNP rs121908984, ClinGen allele CA016721.
Genomic context (GRCh38, chr11:112,094,923, plus strand): 5'-AAGGCAGGGCTTTTGGCACTTTCAGCTTTAACCTTTGCTGGGCTTTGCTATTTCAACTAT[C>A]ACGATGTGGGCATCTGCAAAGCTGTTGCCATGCTGTGGAAGCTCTGACCTTTTTGACTTC-3'
Protein context (NP_002993.1, residues 135-155): TFAGLCYFNY[His145Asn]DVGICKAVAM